The following is an entry in ClinVar:

NM_001267550.2(TTN):c.54257G>A (p.Trp18086Ter)

Genes: TTN (titin; minus strand), TTN-AS1 (TTN antisense RNA 1; plus strand). Cytogenetic location: 2q31.2.
Variant type: single nucleotide variant.
Coding change: c.54257G>A on transcript NM_001267550.2 (MANE Select); coding-DNA position 54257, G replaced by A.
Protein change: p.Trp18086Ter; replaces tryptophan 18086 with a stop codon.
Molecular consequence: nonsense. On other transcripts: non-coding transcript variant (1).
Genome position (GRCh38, 1-based): chr2:178,604,832, C>T on the plus strand (G>A on the coding strand, the complement: TTN is on the minus strand). VCF-style: chr2-178604832-C-T. GRCh37 (hg19) VCF-style: chr2-179469559-C-T.
Other names: c.49334G>A, p.Trp16445Ter (NM_001256850.1); c.27062G>A, p.Trp9021Ter (NM_003319.4); c.46553G>A, p.Trp15518Ter (NM_133378.4); c.27437G>A, p.Trp9146Ter (NM_133432.3); c.27638G>A, p.Trp9213Ter (NM_133437.4); short protein forms W16445*, W9213*, W18086*, W9021*, W15518*, W9146*.
Identifiers: ClinVar variation 1503099 (VCV001503099.8), dbSNP rs2154195201, ClinGen allele CA349554720.

ClinVar aggregate classification (germline): Likely pathogenic (1 of 4 stars; one submission).

Conditions:
Dilated cardiomyopathy 1G (CMD1G). Identifiers: Orphanet 154, MedGen C1858763, MONDO:0011400, OMIM 604145.
Autosomal recessive limb-girdle muscular dystrophy type 2J (LGMDR10). Also called: MUSCULAR DYSTROPHY, LIMB-GIRDLE, AUTOSOMAL RECESSIVE 10; Limb-girdle muscular dystrophy, type 2J. Identifiers: Orphanet 140922, MedGen C1837342, MONDO:0012127, OMIM 608807.

Submission:

Labcorp Genetics (formerly Invitae), Labcorp
Classification: Likely pathogenic for Dilated cardiomyopathy 1G; Autosomal recessive limb-girdle muscular dystrophy type 2J. Last evaluated: 2025-09-20. Review status: criteria provided, single submitter. Criteria: Invitae Variant Classification Sherloc (09022015). Collection method: clinical testing. Allele origin: germline.
Comment: This sequence change creates a premature translational stop signal (p.Trp18086*) in the TTN gene. While this is not anticipated to result in nonsense mediated decay, it is expected to create a truncated TTN protein. This variant is not present in population databases (gnomAD no frequency). This variant has not been reported in the literature in individuals affected with TTN-related conditions. ClinVar contains an entry for this variant (Variation ID: 1503099). This variant is located in the A band of TTN (PMID: 25589632). Truncating variants in this region are significantly overrepresented in patients affected with dilated cardiomyopathy (PMID: 25589632). Truncating variants in this region have also been reported in individuals affected with autosomal recessive centronuclear myopathy (PMID: 23975875). In summary, the currently available evidence indicates that the variant is pathogenic, but additional data are needed to prove that conclusively. Therefore, this variant has been classified as Likely Pathogenic.

Literature cited by the submitters: PubMed 25589632; PubMed 23975875.